The following is an entry in ClinVar:

ClinVar aggregate classification (germline): Uncertain significance (1 of 4 stars; one submission).

Conditions:
Hereditary breast ovarian cancer syndrome. Also called: Hereditary breast and ovarian cancer; BRCA1- and BRCA2-Associated Hereditary Breast and Ovarian Cancer; Hereditary breast and ovarian cancer syndrome; Breast and ovarian cancer; Hereditary breast and ovarian cancer syndrome (HBOC); Hereditary breast and/or ovarian cancer syndrome. Identifiers: Orphanet 145, MedGen C0677776, MeSH D061325, MONDO:0003582. Disease mechanism: loss of function.

Submission:

Labcorp Genetics (formerly Invitae), Labcorp
Classification: Uncertain significance for Hereditary breast ovarian cancer syndrome. Last evaluated: 2022-12-07. Review status: criteria provided, single submitter. Criteria: Invitae Variant Classification Sherloc (09022015). Collection method: clinical testing. Allele origin: germline.
Comment: In summary, the available evidence is currently insufficient to determine the role of this variant in disease. Therefore, it has been classified as a Variant of Uncertain Significance. Advanced modeling of protein sequence and biophysical properties (such as structural, functional, and spatial information, amino acid conservation, physicochemical variation, residue mobility, and thermodynamic stability) performed at Invitae indicates that this missense variant is not expected to disrupt BRCA1 protein function. This variant has not been reported in the literature in individuals affected with BRCA1-related conditions. This variant is not present in population databases (gnomAD no frequency). This sequence change replaces leucine, which is neutral and non-polar, with valine, which is neutral and non-polar, at codon 1414 of the BRCA1 protein (p.Leu1414Val).

NM_007294.4(BRCA1):c.4240C>G (p.Leu1414Val)

Gene: BRCA1 (BRCA1 DNA repair associated; minus strand). Cytogenetic location: 17q21.31.
Variant type: single nucleotide variant.
Coding change: c.4240C>G on transcript NM_007294.4 (MANE Select); coding-DNA position 4240, C replaced by G.
Protein change: p.Leu1414Val; replaces leucine 1414 with valine.
Molecular consequence: missense variant.
Genome position (GRCh38, 1-based): chr17:43,082,521, G>C on the plus strand (C>G on the coding strand, the complement: BRCA1 is on the minus strand). VCF-style: chr17-43082521-G-C. GRCh37 (hg19) VCF-style: chr17-41234538-G-C.
Other names: c.4114C>G, p.Leu1372Val (NM_001407670.1, NM_001407671.1, NM_001407672.1 and 12 more transcripts); c.4117C>G, p.Leu1373Val (NM_001407668.1, NM_001407669.1, NM_001407677.1 and 13 more transcripts); c.4240C>G, p.Leu1414Val (NM_001407684.1, NM_001407854.1, NM_001407858.1 and 23 more transcripts); c.4111C>G, p.Leu1371Val (NM_001407685.1, NM_001407686.1, NM_001407687.1 and 2 more transcripts); c.4099C>G, p.Leu1367Val (NM_001407692.1, NM_001407694.1, NM_001407695.1 and 23 more transcripts); c.4096C>G, p.Leu1366Val (NM_001407740.1, NM_001407741.1, NM_001407742.1 and 23 more transcripts); c.4093C>G, p.Leu1365Val (NM_001407847.1, NM_001407848.1, NM_001407849.1); c.4027C>G, p.Leu1343Val (NM_001407853.1, NM_001407894.1, NM_001407895.1 and 12 more transcripts); and 51 more; short protein forms L1118V, L1301V, L1303V, L1342V, L1343V, L1346V, L1371V, L1386V.
Identifiers: ClinVar variation 2819115 (VCV002819115.3), dbSNP rs1006895761, ClinGen allele CA10593239.